The following is an entry in ClinVar:

NM_007194.4(CHEK2):c.320-5T>A

Gene: CHEK2 (checkpoint kinase 2; minus strand). Cytogenetic location: 22q12.1.
Variant type: single nucleotide variant.
Coding change: c.320-5T>A on transcript NM_007194.4 (MANE Select); 5 bases into the intron before coding-DNA position 320, T replaced by A.
Molecular consequence: intron variant.
Genome position (GRCh38, 1-based): chr22:28,725,372, A>T on the plus strand (T>A on the coding strand, the complement: CHEK2 is on the minus strand). VCF-style: chr22-28725372-A-T. GRCh37 (hg19) VCF-style: chr22-29121360-A-T.
Other names: IVS2-5T>A; chr22:29,121,360A>T; c.-344-5T>A (NM_001437942.1); c.320-5T>A (NM_001349956.3, NM_145862.3); c.-458-5T>A (NM_001257387.3); c.413-5T>A (NM_001438295.1, NM_001438293.1); c.449-5T>A (NM_001438294.1, NM_001005735.3).
Identifiers: ClinVar variation 128070 (VCV000128070.89), dbSNP rs121908700, ClinGen allele CA231722.

ClinVar aggregate classification (germline): Conflicting classifications of pathogenicity. Review status: criteria provided, conflicting classifications (1 of 4 stars). 23 submissions from 23 submitters: Uncertain significance (3); Benign (3); Likely benign (12). 5 of the submissions do not count toward it. Last evaluated 2026-09-01.

Conditions:
CHEK2-related disorder.
Hereditary cancer. Identifiers: MedGen C1333600.
CHEK2-related cancer predisposition (TPDS4). Also called: CHEK2-related cancer susceptibility; TUMOR PREDISPOSITION SYNDROME 4; CANCER PREDISPOSITION SYNDROME, CHEK2-RELATED. Identifiers: Orphanet 524, MedGen C5882668, MONDO:0700271, OMIM 609265.
Familial cancer of breast. Also called: hereditary breast carcinoma; BREAST CANCER, FAMILIAL; Hereditary breast cancer. Identifiers: Orphanet 227535, MedGen C0346153, MONDO:0016419, OMIM 114480. Disease mechanism: loss of function.
Breast and/or ovarian cancer. Identifiers: MedGen CN221562.
Hereditary cancer-predisposing syndrome. Also called: Neoplastic Syndromes, Hereditary; Hereditary Cancer Syndrome; Tumor predisposition; Hereditary neoplastic syndrome. Identifiers: Orphanet 140162, MedGen C0027672, MeSH D009386, MONDO:0015356.

Allele frequency attached by ClinVar (database versions not stated): ESP Exome Variant Server 0.00038; gnomAD 0.00039 and 0.00070; ExAC 0.00052; gnomAD exomes 0.00057; 1000 Genomes Project 0.00080; 1000 Genomes Project 30x 0.00094; TOPMed 0.00126.
gnomAD v4.1: 934 of 1,614,106 alleles (0.058%); highest among the groups gnomAD compares: Admixed American, 0.082%; 2 homozygotes.

Submissions 1 to 14 of 24:

CeGaT Center for Human Genetics Tuebingen
Classification: Likely benign. Last evaluated: 2026-09-01. Review status: criteria provided, single submitter. Criteria: CeGaT Center For Human Genetics Tuebingen Variant Classification Criteria Version 2. Collection method: clinical testing. Allele origin: germline. Affected: yes. Observed: 8 variant alleles.
Comment: CHEK2: BP4, BS1

Labcorp Genetics (formerly Invitae), Labcorp
Classification: Benign for Familial cancer of breast. Last evaluated: 2026-02-04. Review status: criteria provided, single submitter. Criteria: Invitae Variant Classification Sherloc (09022015). Collection method: clinical testing. Allele origin: germline.

Molecular Diagnostics Laboratory, Catalan Institute of Oncology
Classification: Uncertain significance for Hereditary cancer-predisposing syndrome. Last evaluated: 2025-03-19. Review status: criteria provided, single submitter. Criteria: ACMG Guidelines, 2015. Collection method: clinical testing. Allele origin: germline.
Comment: CHEK2 c.320-5T>A is an intronic variant located close to a canonical splice site. This variant is found in 142/267712 alleles at a frequency of 0.043% in the gnomAD v2.1.1 database, non-cancer dataset. The SpliceAI algorithm predicts no significant impact on splicing . Functional RNA studies (PMID: 32906215, PMID: 27616075) showed an in-frame transcript lacking exons 3 and 4 (r.320_592del; p.Glu107Lys197del). The proportion of transcripts suggested that the variant allele also produces full-length transcript, although no tag-SNP was available to confirm it. CHEK2 c.320-5T>A was identified in individuals affected with breast cancer, colorectal cancer, pancreatic cancer, ovarian cancer and Hodgkin lymphoma (PMID: 18058223, 18996005, 20643596, 21744992, 27067391,27616075, 38075173). This variant has been reported in the ClinVar database (1x pathogenic, 5x uncertain significance, 11x likely benign, 4x benign) and in LOVD (4x uncertain significance, 2x likely benign). Based on currently available information, the variant c.320-5T>A should be considered an uncertain significance variant according to ACMG/AMP classification guidelines.

Center for Genomic Medicine, Rigshospitalet, Copenhagen University Hospital
Classification: Likely benign. Last evaluated: 2025-03-04. Review status: criteria provided, single submitter. Criteria: ACMG Guidelines, 2015. Collection method: clinical testing. Allele origin: germline.

PreventionGenetics, part of Exact Sciences
Classification: Likely benign for CHEK2-related condition. Last evaluated: 2024-12-27. Review status: criteria provided, single submitter. Criteria: ACMG Guidelines, 2015. Collection method: clinical testing. Allele origin: germline.
Comment: This variant is classified as likely benign based on ACMG/AMP sequence variant interpretation guidelines (Richards et al. 2015 PMID: 25741868, with internal and published modifications).

Blueprint Genetics
Classification: Likely benign. Last evaluated: 2024-11-07. Review status: criteria provided, single submitter. Criteria: ACMG Guidelines, 2015. Collection method: clinical testing. Allele origin: germline.

Mendelics
Classification: Likely benign for Hereditary cancer. Last evaluated: 2024-01-23. Review status: criteria provided, single submitter. Criteria: ACMG Guidelines, 2015. Collection method: clinical testing. Allele origin: unknown.

CHEO Genetics Diagnostic Laboratory, Children's Hospital of Eastern Ontario
Classification: Uncertain significance for Breast and/or ovarian cancer. Last evaluated: 2023-04-27. Review status: criteria provided, single submitter. Criteria: ACMG Guidelines, 2015. Collection method: clinical testing. Allele origin: germline.

Myriad Genetics, Inc.
Classification: Likely benign for Familial cancer of breast. Last evaluated: 2023-03-09. Review status: criteria provided, single submitter. Criteria: Myriad Autosomal Dominant, Autosomal Recessive and X-Linked Classification Criteria (2023). Collection method: clinical testing. Allele origin: unknown.
Comment: This variant is considered likely benign. This variant is strongly associated with less severe personal and family histories of cancer, typical for individuals without pathogenic variants in this gene [PMID: 25085752].

Quest Diagnostics Nichols Institute San Juan Capistrano
Classification: Benign. Last evaluated: 2021-12-16. Review status: criteria provided, single submitter. Criteria: Quest Diagnostics criteria. Collection method: clinical testing. Allele origin: unknown.

Sema4
Classification: Likely benign for Hereditary cancer-predisposing syndrome. Last evaluated: 2021-07-21. Review status: criteria provided, single submitter. Criteria: Sema4 Curation Guidelines. Collection method: curation. Allele origin: germline.

GeneDx
Classification: Likely benign. Last evaluated: 2021-05-19. Review status: criteria provided, single submitter. Criteria: GeneDx Variant Classification Process June 2021. Collection method: clinical testing. Allele origin: germline. Affected: yes.
Comment: Patient RNA studies demonstrate aberrant splicing resulting in an in-frame transcript lacking exons 3 and 4 present at approximately 20%, as well as full-length transcript (Kraus 2017, Vargas-Parra 2020); In-silico analysis is inconclusive as to whether the variant alters gene splicing; Also known as IVS1-5T>A; This variant is associated with the following publications: (PMID: 18058223, 20643596, 21744992, 25980754, 24549055, 18996005, 27067391, 27616075, 27621404, 26506619, 29596542, 25186627, 30306255, 31422574, 28779002, 30374176, 29337092, 32906215)

Genetic Services Laboratory, University of Chicago
Classification: Likely benign. Last evaluated: 2021-01-08. Review status: criteria provided, single submitter. Criteria: ACMG Guidelines, 2015. Collection method: clinical testing. Allele origin: germline. Affected: no.

ARUP Laboratories, Molecular Genetics and Genomics, ARUP Laboratories
Classification: Uncertain significance. Last evaluated: 2020-07-09. Review status: criteria provided, single submitter. Criteria: ARUP Molecular Germline Variant Investigation Process. Collection method: clinical testing. Allele origin: germline.
Comment: The CHEK2 c.320-5T>A variant has been described in the literature in individuals affected with different cancers, including breast and/or ovarian cancer, Hodgkin lymphoma, and colorectal cancer (Castera 2014, Hampel 2018, Havranek 2011, Kleibl 2008, Kleibl 2009, Kraus 2017, Tung 2015). However, several affected individuals with this variant were found to carry an additional pathogenic variant (Hampel 2018, Tung 2015). The c.320-5T>A variant is found in the general population with an overall allele frequency of 0.05% (152/282198 alleles, including one homozygote) in the Genome Aggregation Database, including an increased frequency of 0.37% (38/10362 alleles) in the Ashkenazi Jewish population. This is an intronic variant in a moderately conserved nucleotide, and computational analyses (Alamut v.2.11) predict that this variant may impact splicing by weakening the nearby canonical acceptor splice site. Functional analyses of patient RNAs show exon skipping in a small minority of transcripts (Casadei 2019, Kraus 2017); however, it is unclear that these splicing alterations are clinically significant. While existing evidence suggests this variant is unlikely to cause disease in all carriers, given the possibility of a low penetrance effect, the clinical significance of the c.320-5T>A variant is uncertain at this time. References: Casadei S et al. Characterization of splice-altering mutations in inherited predisposition to cancer. Proc Natl Acad Sci U S A. 2019;116(52):26798-26807. Castera L et al. Next-generation sequencing for the diagnosis of hereditary breast and ovarian cancer using genomic capture targeting multiple candidate genes. Eur J Hum Genet. 2014 Nov;22(11):1305-13. Hampel H et al. Assessment of Tumor Sequencing as a Replacement for Lynch Syndrome Screening and Current Molecular Tests for Patients With Colorectal Cancer. JAMA Oncol. 2018;4(6):806-813. Havranek O et al. Alterations of CHEK2 forkhead-associated domain increase the risk of Hodgkin lymphoma. Neoplasma. 2011;58(5):392-5. Kleibl Z et al. Analysis of CHEK2 FHA domain in Czech patients with sporadic breast cancer revealed distinct rare genetic alterations. Breast Cancer Res Treat. 2008 Nov;112(1):159-64. Kleibl Z et al. The CHEK2 gene I157T mutation and other alterations in its proximity increase the risk of sporadic colorectal cancer in the Czech population. Eur J Cancer. 2009 Mar;45(4):618-24. Kraus C et al. Gene panel sequencing in familial breast/ovarian cancer patients identifies multiple novel mutations also in genes others than BRCA1/2. Int J Cancer. 2017;140(1):95-102. Mucaki EJ et al. A unified analytic framework for prioritization of non-coding variants of uncertain significance in heritable breast and ovarian cancer. BMC Med Genomics. 2016 Apr 11;9:19. Tung N et al. Frequency of mutations in individuals with breast cancer referred for BRCA1 and BRCA2 testing using next-generation sequencing with a 25-gene panel. Cancer. 2015;121(1):25-33.